The following is an entry in ClinVar:

ClinVar aggregate classification (germline): Uncertain significance (1 of 4 stars; one submission).

gnomAD v4.1: 13 of 1,614,202 alleles (0.00081%); highest among the groups gnomAD compares: Non-Finnish European, 0.001%; no homozygotes.

Submission:

Labcorp Genetics (formerly Invitae), Labcorp
Classification: Uncertain significance. Last evaluated: 2021-11-11. Review status: criteria provided, single submitter. Criteria: Invitae Variant Classification Sherloc (09022015). Collection method: clinical testing. Allele origin: germline.
Comment: This variant has not been reported in the literature in individuals affected with LRP2-related conditions. In summary, the available evidence is currently insufficient to determine the role of this variant in disease. Therefore, it has been classified as a Variant of Uncertain Significance. Advanced modeling of protein sequence and biophysical properties (such as structural, functional, and spatial information, amino acid conservation, physicochemical variation, residue mobility, and thermodynamic stability) performed at Invitae indicates that this missense variant is not expected to disrupt LRP2 protein function. This variant is not present in population databases (gnomAD no frequency). This sequence change replaces arginine, which is basic and polar, with leucine, which is neutral and non-polar, at codon 2699 of the LRP2 protein (p.Arg2699Leu).

NM_004525.3(LRP2):c.8096G>T (p.Arg2699Leu)

Gene: LRP2 (LDL receptor related protein 2; minus strand). Cytogenetic location: 2q31.1.
Variant type: single nucleotide variant.
Coding change: c.8096G>T on transcript NM_004525.3 (MANE Select); coding-DNA position 8096, G replaced by T.
Protein change: p.Arg2699Leu; replaces arginine 2699 with leucine.
Molecular consequence: missense variant.
Genome position (GRCh38, 1-based): chr2:169,202,869, C>A on the plus strand (G>T on the coding strand, the complement: LRP2 is on the minus strand). VCF-style: chr2-169202869-C-A. GRCh37 (hg19) VCF-style: chr2-170059379-C-A.
Other names: short protein forms R2699L.
Identifiers: ClinVar variation 1466370 (VCV001466370.6), dbSNP rs867912144, ClinGen allele CA349166209.